The following is an entry in ClinVar:

ClinVar aggregate classification (germline): Uncertain significance (1 of 4 stars; one submission).

Submission:

Ambry Genetics
Classification: Uncertain significance. Last evaluated: 2025-05-19. Review status: criteria provided, single submitter. Criteria: Ambry Variant Classification Scheme 2023. Collection method: clinical testing. Allele origin: germline.
Comment: The p.H13R variant (also known as c.38A>G), located in coding exon 1 of the GFI1 gene, results from an A to G substitution at nucleotide position 38. The histidine at codon 13 is replaced by arginine, an amino acid with highly similar properties. This amino acid position is conserved. In addition, the in silico prediction for this alteration is inconclusive. Based on the available evidence, the clinical significance of this variant remains unclear.

NM_005263.5(GFI1):c.38A>G (p.His13Arg)

Gene: GFI1 (growth factor independent 1 transcriptional repressor; minus strand). Cytogenetic location: 1p22.1.
Variant type: single nucleotide variant.
Coding change: c.38A>G on transcript NM_005263.5 (MANE Select); coding-DNA position 38, A replaced by G.
Protein change: p.His13Arg; replaces histidine 13 with arginine.
Molecular consequence: missense variant.
Genome position (GRCh38, 1-based): chr1:92,483,450, T>C on the plus strand (A>G on the coding strand, the complement: GFI1 is on the minus strand). VCF-style: chr1-92483450-T-C. GRCh37 (hg19) VCF-style: chr1-92949007-T-C.
Other names: c.38A>G, p.His13Arg (NM_001127215.3, NM_001127216.3); short protein forms H13R.
Identifiers: ClinVar variation 4029428 (VCV004029428.1).